The following is an entry in ClinVar:

ClinVar aggregate classification (germline): Uncertain significance (1 of 4 stars; one submission).

Conditions:
Developmental and epileptic encephalopathy, 42 (DEE42A). Also called: DEVELOPMENTAL AND EPILEPTIC ENCEPHALOPATHY 42A; EPILEPTIC ENCEPHALOPATHY, EARLY INFANTILE, 42A; Epileptic encephalopathy, early infantile, 42. Identifiers: MedGen C4310716, MONDO:0014917, OMIM 617106.
Episodic ataxia type 2 (EA2). Also called: ACETAZOLAMIDE-RESPONSIVE HEREDITARY PAROXYSMAL CEREBELLAR ATAXIA; ATAXIA, EPISODIC, WITH NYSTAGMUS; ATAXIA, FAMILIAL PAROXYSMAL; CEREBELLAR ATAXIA, PAROXYSMAL, ACETAZOLAMIDE-RESPONSIVE; CEREBELLOPATHY, HEREDITARY PAROXYSMAL; EPISODIC ATAXIA, NYSTAGMUS-ASSOCIATED. Identifiers: Orphanet 97, MedGen C1720416, MONDO:0007163, OMIM 108500.

Submission:

Labcorp Genetics (formerly Invitae), Labcorp
Classification: Uncertain significance for Developmental and epileptic encephalopathy, 42; Episodic ataxia type 2. Last evaluated: 2022-11-19. Review status: criteria provided, single submitter. Criteria: Invitae Variant Classification Sherloc (09022015). Collection method: clinical testing. Allele origin: germline.
Comment: In summary, the available evidence is currently insufficient to determine the role of this variant in disease. Therefore, it has been classified as a Variant of Uncertain Significance. Advanced modeling of protein sequence and biophysical properties (such as structural, functional, and spatial information, amino acid conservation, physicochemical variation, residue mobility, and thermodynamic stability) performed at Invitae indicates that this missense variant is not expected to disrupt CACNA1A protein function. This variant has not been reported in the literature in individuals affected with CACNA1A-related conditions. This variant is not present in population databases (gnomAD no frequency). This sequence change replaces proline, which is neutral and non-polar, with serine, which is neutral and polar, at codon 1104 of the CACNA1A protein (p.Pro1104Ser).

NM_001127222.2(CACNA1A):c.3307C>T (p.Pro1103Ser)

Gene: CACNA1A (calcium voltage-gated channel subunit alpha1 A; minus strand). Cytogenetic location: 19p13.13.
Variant type: single nucleotide variant.
Coding change: c.3307C>T on transcript NM_001127222.2 (MANE Select); coding-DNA position 3307, C replaced by T.
Protein change: p.Pro1103Ser; replaces proline 1103 with serine.
Molecular consequence: missense variant.
Genome position (GRCh38, 1-based): chr19:13,286,749, G>A on the plus strand (C>T on the coding strand, the complement: CACNA1A is on the minus strand). VCF-style: chr19-13286749-G-A. GRCh37 (hg19) VCF-style: chr19-13397563-G-A.
Other names: c.3319C>T, p.Pro1107Ser (NM_000068.4, NM_023035.3); c.3310C>T, p.Pro1104Ser (NM_001127221.2, NM_001174080.2); short protein forms P1104S, P1103S, P1107S.
Identifiers: ClinVar variation 2930959 (VCV002930959.3), dbSNP rs2512857288, ClinGen allele CA404341628.